The following is an entry in ClinVar:

NM_001127208.3(TET2):c.573T>G (p.Asn191Lys)

Genes: TET2 (tet methylcytosine dioxygenase 2; plus strand), TET2-AS1 (TET2 antisense RNA 1; minus strand). Cytogenetic location: 4q24.
Variant type: single nucleotide variant.
Coding change: c.573T>G on transcript NM_001127208.3 (MANE Select); coding-DNA position 573, T replaced by G.
Protein change: p.Asn191Lys; replaces asparagine 191 with lysine.
Molecular consequence: missense variant.
Genome position (GRCh38, 1-based): chr4:105,234,515, T>G. VCF-style: chr4-105234515-T-G. GRCh37 (hg19) VCF-style: chr4-106155672-T-G.
Other names: c.573T>G, p.Asn191Lys (NM_017628.4); short protein forms N191K.
Identifiers: ClinVar variation 5030683 (VCV005030683.1).

ClinVar aggregate classification (germline): Uncertain significance (1 of 4 stars; one submission).

gnomAD v4.1: 1 of 1,614,118 alleles (0.000062%); highest among the groups gnomAD compares: Non-Finnish European, 0.000085%; no homozygotes.

Submission:

Ambry Genetics
Classification: Uncertain significance. Last evaluated: 2026-06-22. Review status: criteria provided, single submitter. Criteria: Ambry Variant Classification Scheme 2023. Collection method: clinical testing. Allele origin: germline.
Comment: The p.N191K variant (also known as c.573T>G), located in coding exon 1 of the TET2 gene, results from a T to G substitution at nucleotide position 573. The asparagine at codon 191 is replaced by lysine, an amino acid with similar properties. This amino acid position is conserved. In addition, this alteration is predicted to be tolerated by in silico analysis. Based on the available evidence, the clinical significance of this variant remains unclear.